The following is an entry in ClinVar:

ClinVar aggregate classification (germline): Uncertain significance (1 of 4 stars; one submission).

Conditions:
Peroxisome biogenesis disorder 3A (Zellweger). Also called: Peroxisome biogenesis disorder 3A; PEROXISOMAL BIOGENESIS DISORDER 3A (ZELLWEGER). Identifiers: Orphanet 912, MedGen C3553929, MONDO:0013927, OMIM 614859.

Allele frequency attached by ClinVar (database versions not stated): gnomAD 0.00001; TOPMed 0.00001.

Submission:

Labcorp Genetics (formerly Invitae), Labcorp
Classification: Uncertain significance for Peroxisome biogenesis disorder 3A (Zellweger). Last evaluated: 2022-07-17. Review status: criteria provided, single submitter. Criteria: Invitae Variant Classification Sherloc (09022015). Collection method: clinical testing. Allele origin: germline.
Comment: This sequence change replaces serine, which is neutral and polar, with phenylalanine, which is neutral and non-polar, at codon 144 of the PEX12 protein (p.Ser144Phe). This variant is not present in population databases (gnomAD no frequency). This variant has not been reported in the literature in individuals affected with PEX12-related conditions. ClinVar contains an entry for this variant (Variation ID: 1523189). Algorithms developed to predict the effect of missense changes on protein structure and function are either unavailable or do not agree on the potential impact of this missense change (SIFT: "Deleterious"; PolyPhen-2: "Probably Damaging"; Align-GVGD: "Class C15"). In summary, the available evidence is currently insufficient to determine the role of this variant in disease. Therefore, it has been classified as a Variant of Uncertain Significance.

NM_000286.3(PEX12):c.431C>T (p.Ser144Phe)

Gene: PEX12 (peroxisomal biogenesis factor 12; minus strand). Cytogenetic location: 17q12.
Variant type: single nucleotide variant.
Coding change: c.431C>T on transcript NM_000286.3 (MANE Select); coding-DNA position 431, C replaced by T.
Protein change: p.Ser144Phe; replaces serine 144 with phenylalanine.
Molecular consequence: missense variant.
Genome position (GRCh38, 1-based): chr17:35,577,287, G>A on the plus strand (C>T on the coding strand, the complement: PEX12 is on the minus strand). VCF-style: chr17-35577287-G-A. GRCh37 (hg19) VCF-style: chr17-33904306-G-A.
Other names: short protein forms S144F.
Identifiers: ClinVar variation 1523189 (VCV001523189.3), dbSNP rs988442642, ClinGen allele CA290069447.